The following is an entry in ClinVar:

NM_002439.5(MSH3):c.646del (p.Thr216fs)

Gene: MSH3 (mutS homolog 3; plus strand). Cytogenetic location: 5q14.1.
Variant type: Deletion.
Coding change: c.646del on transcript NM_002439.5 (MANE Select); coding-DNA position 646, one base deleted (A; older notation c.646delA).
Protein change: p.Thr216fs; shifts the reading frame from threonine 216.
Molecular consequence: frameshift variant.
Genome position (GRCh38, 1-based): chr5:80,670,163, A deleted; the last of 4 consecutive A bases (chr5:80,670,160-80,670,163); deleting any one gives the same sequence. VCF-style (leftmost placement, unchanged base first): chr5-80670159-GA-G. GRCh37 (hg19) VCF-style: chr5-79965978-GA-G.
Other names: short protein forms T216fs.
Identifiers: ClinVar variation 5024754 (VCV005024754.1).

ClinVar aggregate classification (germline): Pathogenic (1 of 4 stars; one submission).

Conditions:
Hereditary cancer-predisposing syndrome. Also called: Neoplastic Syndromes, Hereditary; Tumor predisposition; Hereditary neoplastic syndrome; Hereditary Cancer Syndrome. Identifiers: Orphanet 140162, MedGen C0027672, MeSH D009386, MONDO:0015356.

Submission:

Ambry Genetics
Classification: Pathogenic for Hereditary cancer-predisposing syndrome. Last evaluated: 2026-07-01. Review status: criteria provided, single submitter. Criteria: Ambry Variant Classification Scheme 2023. Collection method: clinical testing. Allele origin: germline.
Comment: The c.646delA pathogenic mutation, located in coding exon 4 of the MSH3 gene, results from a deletion of one nucleotide at nucleotide position 646, causing a translational frameshift with a predicted alternate stop codon (p.T216Lfs*17). This variant is considered to be rare based on population cohorts in the Genome Aggregation Database (gnomAD). This alteration is expected to result in loss of function by premature protein truncation or nonsense-mediated mRNA decay. As such, this alteration is interpreted as a disease-causing mutation.